The following is an entry in ClinVar:

NM_033028.5(BBS4):c.1236del (p.Glu412fs)

Gene: BBS4 (Bardet-Biedl syndrome 4; plus strand). Cytogenetic location: 15q24.1.
Variant type: Deletion.
Coding change: c.1236del on transcript NM_033028.5 (MANE Select); coding-DNA position 1236, one base deleted (A; older notation c.1236delA).
Protein change: p.Glu412fs; shifts the reading frame from glutamic acid 412.
Molecular consequence: frameshift variant. On other transcripts: non-coding transcript variant (2).
Genome position (GRCh38, 1-based): chr15:72,735,954, A deleted; the last of 2 consecutive A bases (chr15:72,735,953-72,735,954); deleting either gives the same sequence. VCF-style (leftmost placement, unchanged base first): chr15-72735952-GA-G. GRCh37 (hg19) VCF-style: chr15-73028293-GA-G.
Other names: c.720del, p.Glu240fs (NM_001252678.2); c.1167del, p.Glu389fs (NM_001320665.2); short protein forms E240fs, E389fs, E412fs.
Identifiers: ClinVar variation 591120 (VCV000591120.4), dbSNP rs1226386838, ClinGen allele CA715511222.

ClinVar aggregate classification (germline): Pathogenic/Likely pathogenic. Review status: criteria provided, multiple submitters, no conflicts (2 of 4 stars). 3 submissions from 3 submitters: Pathogenic (1); Likely pathogenic (1). 1 of the submissions does not count toward it. Last evaluated 2024-04-24.

Conditions:
Bardet-Biedl syndrome (BBS). Identifiers: Orphanet 110, MedGen C0752166, MONDO:0015229.
Bardet-Biedl syndrome 4 (BBS4). Identifiers: Orphanet 110, MedGen C2936864, MONDO:0014433, OMIM 615982.

Submissions (3):

Labcorp Genetics (formerly Invitae), Labcorp
Classification: Pathogenic for Bardet-Biedl syndrome. Last evaluated: 2024-04-24. Review status: criteria provided, single submitter. Criteria: Invitae Variant Classification Sherloc (09022015). Collection method: clinical testing. Allele origin: germline.
Comment: This sequence change creates a premature translational stop signal (p.Glu412Aspfs*57) in the BBS4 gene. It is expected to result in an absent or disrupted protein product. Loss-of-function variants in BBS4 are known to be pathogenic (PMID: 11381270, 12016587, 20177705, 27894351). This variant is not present in population databases (gnomAD no frequency). This variant has not been reported in the literature in individuals affected with BBS4-related conditions. ClinVar contains an entry for this variant (Variation ID: 591120). For these reasons, this variant has been classified as Pathogenic.

Fulgent Genetics
Classification: Likely pathogenic for Bardet-Biedl syndrome 4. Last evaluated: 2024-01-09. Review status: criteria provided, single submitter. Criteria: ACMG Guidelines, 2015. Collection method: clinical testing. Allele origin: germline.

Gharavi Laboratory, Columbia University
Classification: Uncertain significance. Last evaluated: 2018-09-16. Review status: no assertion criteria provided. Criteria: ACMG Guidelines, 2015. Collection method: research. Allele origin: germline. Affected: yes. Not counted in ClinVar's aggregate classification.

Literature cited by the submitters: PubMed 11381270 (cited by Labcorp Genetics (formerly Invitae), Labcorp); PubMed 12016587 (cited by Labcorp Genetics (formerly Invitae), Labcorp); PubMed 20177705 (cited by Labcorp Genetics (formerly Invitae), Labcorp); PubMed 27894351 (cited by Labcorp Genetics (formerly Invitae), Labcorp).